The following is an entry in ClinVar:

ClinVar aggregate classification (germline): Uncertain significance. Review status: criteria provided, multiple submitters, no conflicts (2 of 4 stars). 2 submissions from 2 submitters: Uncertain significance (2). Last evaluated 2025-10-02.

Conditions:
Baller-Gerold syndrome (BGS). Also called: CRANIOSYNOSTOSIS WITH RADIAL DEFECTS. Identifiers: Orphanet 1225, MedGen C0265308, MONDO:0009039, OMIM 218600.

gnomAD v4.1: 4 of 1,599,892 alleles (0.00025%); highest among the groups gnomAD compares: Non-Finnish European, 0.00034%; no homozygotes.

Submissions (2):

Labcorp Genetics (formerly Invitae), Labcorp
Classification: Uncertain significance for Baller-Gerold syndrome. Last evaluated: 2025-10-02. Review status: criteria provided, single submitter. Criteria: Invitae Variant Classification Sherloc (09022015). Collection method: clinical testing. Allele origin: germline.
Comment: This sequence change replaces phenylalanine, which is neutral and non-polar, with leucine, which is neutral and non-polar, at codon 795 of the RECQL4 protein (p.Phe795Leu). This variant is present in population databases (no rsID available, gnomAD 0.002%). This variant has not been reported in the literature in individuals affected with RECQL4-related conditions. ClinVar contains an entry for this variant (Variation ID: 528961). Invitae Evidence Modeling of protein sequence and biophysical properties (such as structural, functional, and spatial information, amino acid conservation, physicochemical variation, residue mobility, and thermodynamic stability) indicates that this missense variant is not expected to disrupt RECQL4 protein function with a negative predictive value of 80%. In summary, the available evidence is currently insufficient to determine the role of this variant in disease. Therefore, it has been classified as a Variant of Uncertain Significance.

Genetic Services Laboratory, University of Chicago
Classification: Uncertain significance. Last evaluated: 2023-03-22. Review status: criteria provided, single submitter. Criteria: ACMG Guidelines, 2015. Collection method: clinical testing. Allele origin: germline. Affected: no.
Comment: DNA sequence analysis of the RECQL4 gene demonstrated a sequence change, c.2385C>A, in exon 14 that results in an amino acid change, p.Phe795Leu. This sequence change does not appear to have been previously described in individuals with RECQL4-related disorders. This sequence change has been described in the gnomAD database with a frequency of 0.0008% in the European subpopulation (dbSNP rs587778644). The p.Phe795Leu change affects a highly conserved amino acid residue located in a domain of the RECQL4 protein that is known to be functional. In-silico pathogenicity prediction tools (SIFT, PolyPhen2, Align GVGD, REVEL) provide contradictory results for the p.Phe795Leu substitution. Due to insufficient evidences and the lack of functional studies, the clinical significance of the p.Phe795Leu change remains unknown at this time.

NM_004260.4(RECQL4):c.2385C>A (p.Phe795Leu)

Gene: RECQL4 (RecQ like helicase 4; minus strand). Cytogenetic location: 8q24.3.
Variant type: single nucleotide variant.
Coding change: c.2385C>A on transcript NM_004260.4 (MANE Select); coding-DNA position 2385, C replaced by A.
Protein change: p.Phe795Leu; replaces phenylalanine 795 with leucine.
Molecular consequence: missense variant.
Genome position (GRCh38, 1-based): chr8:144,513,296, G>T on the plus strand (C>A on the coding strand, the complement: RECQL4 is on the minus strand). VCF-style: chr8-144513296-G-T. GRCh37 (hg19) VCF-style: chr8-145738679-G-T.
Other names: short protein forms F795L.
Identifiers: ClinVar variation 528961 (VCV000528961.10), dbSNP rs587778644, ClinGen allele CA372678237.